The following is an entry in ClinVar:

NM_001377275.1(PER3):c.3110T>C (p.Met1037Thr)

Gene: PER3 (period circadian regulator 3; plus strand). Cytogenetic location: 1p36.23.
Variant type: single nucleotide variant.
Coding change: c.3110T>C on transcript NM_001377275.1 (MANE Select); coding-DNA position 3110, T replaced by C.
Protein change: p.Met1037Thr; replaces methionine 1037 with threonine.
Molecular consequence: missense variant.
Genome position (GRCh38, 1-based): chr1:7,830,057, T>C. VCF-style: chr1-7830057-T-C. GRCh37 (hg19) VCF-style: chr1-7890117-T-C.
Other names: c.3086T>C, p.Met1029Thr (NM_001377276.1); c.3083T>C, p.Met1028Thr (NM_016831.4); c.3053T>C, p.Met1018Thr (NM_001289861.2); c.3110T>C, p.Met1037Thr (NM_001289862.2); c.3032T>C, p.Met1011Thr (NM_001289863.3); c.2150T>C, p.Met717Thr (NM_001289864.3); short protein forms M1011T, M1018T, M1028T, M1029T, M1037T, M717T.
Identifiers: ClinVar variation 3059597 (VCV003059597.2), dbSNP rs2640909, ClinGen allele CA568662.

ClinVar aggregate classification (germline): Likely benign (0 of 4 stars; one submission).

Conditions:
PER3-related disorder. Also called: PER3-related condition.

Allele frequency attached by ClinVar (database versions not stated): gnomAD exomes 0.14719; 1000 Genomes Project 0.18530; TOPMed 0.22272; gnomAD 0.23226; ESP Exome Variant Server 0.23827; ExAC 0.25313.

Submission:

PreventionGenetics, part of Exact Sciences
Classification: Likely benign for PER3-related condition. Last evaluated: 2019-02-26. Review status: no assertion criteria provided. Collection method: clinical testing. Allele origin: germline.
Comment: This variant is classified as likely benign based on ACMG/AMP sequence variant interpretation guidelines (Richards et al. 2015 PMID: 25741868, with internal and published modifications).